The following is an entry in ClinVar:

ClinVar aggregate classification (germline): Uncertain significance. Review status: criteria provided, multiple submitters, no conflicts (2 of 4 stars). 2 submissions from 2 submitters: Uncertain significance (2). Last evaluated 2025-12-08.

Conditions:
Nephronophthisis 18 (NPHP18). Identifiers: Orphanet 655, MedGen C3890591, MONDO:0014374, OMIM 615862.
Inborn genetic diseases. Identifiers: MedGen C0950123, MeSH D030342.

Allele frequency attached by ClinVar (database versions not stated): TOPMed 0.00003.
gnomAD v4.1: 21 of 1,612,352 alleles (0.0013%); highest among the groups gnomAD compares: Middle Eastern, 0.017%; no homozygotes.

Submissions (2):

Ambry Genetics
Classification: Uncertain significance for Inborn genetic diseases. Last evaluated: 2025-12-08. Review status: criteria provided, single submitter. Criteria: Ambry Variant Classification Scheme 2023. Collection method: clinical testing. Allele origin: germline.

Labcorp Genetics (formerly Invitae), Labcorp
Classification: Uncertain significance for Nephronophthisis 18. Last evaluated: 2024-01-22. Review status: criteria provided, single submitter. Criteria: Invitae Variant Classification Sherloc (09022015). Collection method: clinical testing. Allele origin: germline.
Comment: This sequence change replaces glutamine, which is neutral and polar, with glutamic acid, which is acidic and polar, at codon 78 of the CEP83 protein (p.Gln78Glu). This variant is present in population databases (rs372337825, gnomAD 0.004%). This variant has not been reported in the literature in individuals affected with CEP83-related conditions. ClinVar contains an entry for this variant (Variation ID: 956412). Advanced modeling of protein sequence and biophysical properties (such as structural, functional, and spatial information, amino acid conservation, physicochemical variation, residue mobility, and thermodynamic stability) performed at Invitae indicates that this missense variant is not expected to disrupt CEP83 protein function with a negative predictive value of 80%. In summary, the available evidence is currently insufficient to determine the role of this variant in disease. Therefore, it has been classified as a Variant of Uncertain Significance.

NM_016122.3(CEP83):c.232C>G (p.Gln78Glu)

Gene: CEP83 (centrosomal protein 83; minus strand). Cytogenetic location: 12q22.
Variant type: single nucleotide variant.
Coding change: c.232C>G on transcript NM_016122.3 (MANE Select); coding-DNA position 232, C replaced by G.
Protein change: p.Gln78Glu; replaces glutamine 78 with glutamic acid.
Molecular consequence: missense variant. On other transcripts: 5 prime UTR variant (6), non-coding transcript variant (3).
Genome position (GRCh38, 1-based): chr12:94,411,789, G>C on the plus strand (C>G on the coding strand, the complement: CEP83 is on the minus strand). VCF-style: chr12-94411789-G-C. GRCh37 (hg19) VCF-style: chr12-94805565-G-C.
Other names: c.232C>G, p.Gln78Glu (NM_001042399.2, NM_001346457.2, NM_001346460.2 and 4 more transcripts); c.-81C>G (NM_001346458.2, NM_001346459.2, NM_001346462.2 and 3 more transcripts); short protein forms Q78E.
Identifiers: ClinVar variation 956412 (VCV000956412.5), dbSNP rs372337825, ClinGen allele CA6722006.